The following is an entry in ClinVar:

ClinVar aggregate classification (germline): Uncertain significance (1 of 4 stars; one submission).

Submission:

Labcorp Genetics (formerly Invitae), Labcorp
Classification: Uncertain significance. Last evaluated: 2022-03-21. Review status: criteria provided, single submitter. Criteria: Invitae Variant Classification Sherloc (09022015). Collection method: clinical testing. Allele origin: germline.
Comment: This sequence change replaces lysine, which is basic and polar, with asparagine, which is neutral and polar, at codon 2223 of the SON protein (p.Lys2223Asn). This variant is not present in population databases (gnomAD no frequency). This variant has not been reported in the literature in individuals affected with SON-related conditions. Algorithms developed to predict the effect of missense changes on protein structure and function are either unavailable or do not agree on the potential impact of this missense change (SIFT: "Deleterious"; PolyPhen-2: "Not Available"; Align-GVGD: "Class C0"). In summary, the available evidence is currently insufficient to determine the role of this variant in disease. Therefore, it has been classified as a Variant of Uncertain Significance.

NM_138927.4(SON):c.6657+113A>C

Gene: SON (SON DNA and RNA binding protein; plus strand). Cytogenetic location: 21q22.11.
Variant type: single nucleotide variant.
Coding change: c.6657+113A>C on transcript NM_138927.4 (MANE Select); 113 bases into the intron after coding-DNA position 6657, A replaced by C.
Molecular consequence: intron variant. On other transcripts: missense variant (1).
Genome position (GRCh38, 1-based): chr21:33,559,888, A>C. VCF-style: chr21-33559888-A-C. GRCh37 (hg19) VCF-style: chr21-34932194-A-C.
Other names: c.6669A>C, p.Lys2223Asn (NM_032195.3); c.741+113A>C (NM_001291412.3); short protein forms K2223N.
Identifiers: ClinVar variation 2115663 (VCV002115663.4), dbSNP rs773269847, ClinGen allele CA410119498.